The following is an entry in ClinVar:

NM_000257.4(MYH7):c.4513C>G (p.Leu1505Val)

Genes: MHRT (myosin heavy chain associated RNA transcript; plus strand), MYH7 (myosin heavy chain 7; minus strand). Cytogenetic location: 14q11.2.
Variant type: single nucleotide variant.
Coding change: c.4513C>G on transcript NM_000257.4 (MANE Select); coding-DNA position 4513, C replaced by G.
Protein change: p.Leu1505Val; replaces leucine 1505 with valine.
Molecular consequence: missense variant.
Genome position (GRCh38, 1-based): chr14:23,417,159, G>C on the plus strand (C>G on the coding strand, the complement: MYH7 is on the minus strand). VCF-style: chr14-23417159-G-C. GRCh37 (hg19) VCF-style: chr14-23886368-G-C.
Other names: c.4513C>G, p.Leu1505Val (NM_001407004.1); short protein forms L1505V.
Identifiers: ClinVar variation 4757277 (VCV004757277.1).

ClinVar aggregate classification (germline): Uncertain significance (1 of 4 stars; one submission).

Conditions:
Cardiomyopathy (CMYO). Also called: Cardiomyopathies. Identifiers: Orphanet 167848, MedGen C0878544, MONDO:0004994, HP:0001638. Inheritance: Various modes of inheritance.

Submission:

Color Diagnostics, LLC DBA Color Health
Classification: Uncertain significance for Cardiomyopathy. Last evaluated: 2025-06-09. Review status: criteria provided, single submitter. Criteria: ACMG Guidelines, 2015. Collection method: clinical testing. Allele origin: germline.
Comment: This missense variant replaces leucine with valine at codon 1505 of the MYH7 protein. Computational prediction is inconclusive regarding the impact of this variant on protein structure and function. To our knowledge, functional studies have not been reported for this variant. This variant has not been reported in individuals affected with MYH7-related disorders in the literature. This variant has not been identified in the general population by the Genome Aggregation Database (gnomAD). The available evidence is insufficient to determine the role of this variant in disease conclusively. Therefore, this variant is classified as a Variant of Uncertain Significance.